The following is an entry in ClinVar:

ClinVar aggregate classification (germline): Benign/Likely benign. Review status: criteria provided, multiple submitters, no conflicts (2 of 4 stars). 7 submissions from 7 submitters: Benign (4); Likely benign (2). 1 of the submissions does not count toward it. Last evaluated 2026-01-18.

Conditions:
SOS2-related disorder. Also called: SOS2-related condition.
Noonan syndrome 9 (NS9). Identifiers: Orphanet 648, MedGen C4225282, MONDO:0014691, OMIM 616559.
Cardiovascular phenotype. Identifiers: MedGen CN230736.

Allele frequency attached by ClinVar (database versions not stated): gnomAD 0.00008 and 0.00009; TOPMed 0.00032; ExAC 0.00088; gnomAD exomes 0.00089.
gnomAD v4.1: 239 of 1,601,986 alleles (0.015%); highest among the groups gnomAD compares: Admixed American, 0.42%; no homozygotes.

Submissions (7):

Labcorp Genetics (formerly Invitae), Labcorp
Classification: Benign for Noonan syndrome 9. Last evaluated: 2026-01-18. Review status: criteria provided, single submitter. Criteria: Invitae Variant Classification Sherloc (09022015). Collection method: clinical testing. Allele origin: germline.

CeGaT Center for Human Genetics Tuebingen
Classification: Benign. Last evaluated: 2026-01-01. Review status: criteria provided, single submitter. Criteria: CeGaT Center For Human Genetics Tuebingen Variant Classification Criteria Version 2. Collection method: clinical testing. Allele origin: germline. Affected: yes. Observed: 1 variant allele.
Comment: SOS2: BP4, BS1, BS2

Blueprint Genetics
Classification: Likely benign. Last evaluated: 2024-09-20. Review status: criteria provided, single submitter. Criteria: ACMG Guidelines, 2015. Collection method: clinical testing. Allele origin: germline.

Ambry Genetics
Classification: Likely benign for Cardiovascular phenotype. Last evaluated: 2022-04-29. Review status: criteria provided, single submitter. Criteria: Ambry Variant Classification Scheme 2023. Collection method: clinical testing. Allele origin: germline.

Women's Health and Genetics/Laboratory Corporation of America, LabCorp
Classification: Benign. Last evaluated: 2017-04-12. Review status: criteria provided, single submitter. Criteria: LabCorp Variant Classification Summary - May 2015. Collection method: clinical testing. Allele origin: germline.
Comment: Variant summary: The SOS2 c.2520A>G (p.Ala840Ala) variant involves the alteration of a non-conserved nucleotide, resulting in a synonymous change. 5/5 splice prediction tools predict no significant impact on normal splicing. ESE finder predicts that this variant may affect binding of multiple ESE sites. These predictions have not been confirmed by functional studies. This variant was found in 105/119170 control chromosomes from ExAC, predominantly observed in the Latino subpopulation at a frequency of 0.009083 (105/11560). This frequency is about 3633 times the estimated maximal expected allele frequency of a pathogenic SOS2 variant (0.0000025), suggesting this is likely a benign polymorphism found primarily in the populations of Latino origin. The variant of interest has not, to our knowledge, been reported in affected individuals via publications and/or reputable databases/clinical diagnostic laboratories. Taken together, this variant is classified as Benign.

Genome-Nilou Lab
Classification: Benign for Noonan syndrome 9. Review status: criteria provided, single submitter. Criteria: ACMG Guidelines, 2015. Collection method: clinical testing. Allele origin: germline.

PreventionGenetics, part of Exact Sciences
Classification: Benign for SOS2-related condition. Last evaluated: 2019-09-30. Review status: no assertion criteria provided. Collection method: clinical testing. Allele origin: germline. Not counted in ClinVar's aggregate classification.
Comment: This variant is classified as benign based on ACMG/AMP sequence variant interpretation guidelines (Richards et al. 2015 PMID: 25741868, with internal and published modifications).

NM_006939.4(SOS2):c.2520A>G (p.Ala840=)

Gene: SOS2 (SOS Ras/Rho guanine nucleotide exchange factor 2; minus strand). Cytogenetic location: 14q21.3.
Variant type: single nucleotide variant.
Coding change: c.2520A>G on transcript NM_006939.4 (MANE Select); coding-DNA position 2520, A replaced by G.
Protein change: p.Ala840=; no amino-acid change (alanine 840 retained).
Molecular consequence: synonymous variant.
Genome position (GRCh38, 1-based): chr14:50,145,317, T>C on the plus strand (A>G on the coding strand, the complement: SOS2 is on the minus strand). VCF-style: chr14-50145317-T-C. GRCh37 (hg19) VCF-style: chr14-50612035-T-C.
Other names: c.2520A>G (NM_006939.3).
Identifiers: ClinVar variation 496338 (VCV000496338.21), dbSNP rs775682587, ClinGen allele CA7177011.